The following is an entry in ClinVar:

ClinVar aggregate classification (germline): Conflicting classifications of pathogenicity. Review status: criteria provided, conflicting classifications (1 of 4 stars). 3 submissions from 3 submitters: Pathogenic (1); Uncertain significance (2). Last evaluated 2024-12-26.

Submissions (3):

GeneDx
Classification: Uncertain significance. Last evaluated: 2024-12-26. Review status: criteria provided, single submitter. Criteria: GeneDx Variant Classification Process June 2021. Collection method: clinical testing. Allele origin: germline. Affected: yes.
Comment: Not observed at significant frequency in large population cohorts (gnomAD); Has not been previously published as pathogenic or benign to our knowledge; Canonical splice site variant with an unclear effect on protein function

Greenwood Genetic Center Diagnostic Laboratories, Greenwood Genetic Center
Classification: Uncertain significance. Last evaluated: 2021-03-11. Review status: criteria provided, single submitter. Criteria: ACMG Guidelines, 2015. Collection method: clinical testing. Allele origin: germline. Affected: yes.
Comment: PM2

Laboratory of Medical Genetics (UMR_S 1112), INSERM/Strasbourg University
Classification: Pathogenic. Review status: criteria provided, single submitter. Criteria: ACMG Guidelines, 2015. Collection method: clinical testing, in vitro. Allele origin: de novo, not applicable. Affected: yes. Observed: 2 variant alleles, 2 heterozygotes. Clinical features observed: Congenital ocular coloboma (HP:0000589), Congenital ptosis (HP:0007970). Functional consequence: sequence_variant_affecting_splicing.

Literature cited by the submitters: PubMed 40044823 (cited by Laboratory of Medical Genetics (UMR_S 1112), INSERM/Strasbourg University).

NM_001256012.3(MYH10):c.4884+1G>A

Gene: MYH10 (myosin heavy chain 10; minus strand). Cytogenetic location: 17p13.1.
Variant type: single nucleotide variant.
Coding change: c.4884+1G>A on transcript NM_001256012.3 (MANE Select); the canonical splice donor site of the intron after coding-DNA position 4884, G replaced by A.
Molecular consequence: splice donor variant.
Genome position (GRCh38, 1-based): chr17:8,490,339, C>T on the plus strand (G>A on the coding strand, the complement: MYH10 is on the minus strand). VCF-style: chr17-8490339-C-T. GRCh37 (hg19) VCF-style: chr17-8393657-C-T.
Other names: c.4821+1G>A (NM_001375266.1); c.4791+1G>A (NM_005964.5); c.4818+1G>A (NM_001256095.2).
Identifiers: ClinVar variation 1331610 (VCV001331610.7), dbSNP rs2151813002, ClinGen allele CA398028022.
Genomic context (GRCh38, chr17:8,490,339, plus strand): 5'-CCCAGAGCTGGGCTTTGAGAGCCTGCACCCCTTGTTGTGGAGGCCGCACCCTCTGCCCTA[C>T]CTGTTTGATCAGCAGCCGCTTCTTCTCTTCATTCTGCTCATCCCTGGTTTGCAGGTCTCT-3'